The following is an entry in ClinVar:

ClinVar aggregate classification (germline): Uncertain significance (1 of 4 stars; one submission).

Conditions:
TMPO-related disorder. Also called: TMPO-related condition.

gnomAD v4.1: 2 of 1,614,026 alleles (0.00012%); highest among the groups gnomAD compares: Non-Finnish European, 0.00017%; no homozygotes.

Submission:

PreventionGenetics, part of Exact Sciences
Classification: Uncertain significance for TMPO-related condition. Last evaluated: 2025-07-18. Review status: criteria provided, single submitter. Criteria: ACMG Guidelines, 2015. Collection method: clinical testing. Allele origin: germline.
Comment: The TMPO c.1331C>T variant is predicted to result in the amino acid substitution p.Ser444Phe. To our knowledge, this variant has not been reported in the literature or in a large population database (gnomAD), indicating this variant is rare. At this time, the clinical significance of this variant is uncertain due to the absence of conclusive functional and genetic evidence.

NM_001032283.3(TMPO):c.565+1750C>T

Gene: TMPO (thymopoietin; plus strand). Cytogenetic location: 12q23.1.
Variant type: single nucleotide variant.
Coding change: c.565+1750C>T on transcript NM_001032283.3 (MANE Select); 1750 bases into the intron after coding-DNA position 565, C replaced by T.
Molecular consequence: intron variant. On other transcripts: missense variant (1).
Genome position (GRCh38, 1-based): chr12:98,533,588, C>T. VCF-style: chr12-98533588-C-T. GRCh37 (hg19) VCF-style: chr12-98927366-C-T.
Other names: c.1331C>T, p.Ser444Phe (NM_003276.2); c.565+1750C>T (NM_001307975.2, NM_001032284.3); short protein forms S444F.
Identifiers: ClinVar variation 4978280 (VCV004978280.1).